The following is an entry in ClinVar:

ClinVar aggregate classification (germline): Uncertain significance. Review status: criteria provided, multiple submitters, no conflicts (2 of 4 stars). 2 submissions from 2 submitters: Uncertain significance (2). Last evaluated 2024-08-13.

Conditions:
Leber congenital amaurosis 6 (LCA6). Identifiers: Orphanet 65, MedGen C1854260, MONDO:0013446, OMIM 613826.
Cone-rod dystrophy 13 (CORD13). Identifiers: Orphanet 1872, MedGen C2750720, MONDO:0011987, OMIM 608194.

gnomAD v4.1: 6 of 1,613,528 alleles (0.00037%); highest among the groups gnomAD compares: Middle Eastern, 0.016%; 1 homozygote.

Submissions (2):

Blueprint Genetics
Classification: Uncertain significance. Last evaluated: 2024-08-13. Review status: criteria provided, single submitter. Criteria: ACMG Guidelines, 2015. Collection method: clinical testing. Allele origin: germline.

Labcorp Genetics (formerly Invitae), Labcorp
Classification: Uncertain significance for Leber congenital amaurosis 6; Cone-rod dystrophy 13. Last evaluated: 2022-02-27. Review status: criteria provided, single submitter. Criteria: Invitae Variant Classification Sherloc (09022015). Collection method: clinical testing. Allele origin: germline.
Comment: In summary, the available evidence is currently insufficient to determine the role of this variant in disease. Therefore, it has been classified as a Variant of Uncertain Significance. This variant disrupts the p.Glu800 amino acid residue in RPGRIP1. Other variant(s) that disrupt this residue have been determined to be pathogenic (PMID: 24123792, 26047050; Invitae). This suggests that this residue is clinically significant, and that variants that disrupt this residue are likely to be disease-causing. Algorithms developed to predict the effect of missense changes on protein structure and function are either unavailable or do not agree on the potential impact of this missense change (SIFT: "Tolerated"; PolyPhen-2: "Possibly Damaging"; Align-GVGD: "Class C0"). This variant has not been reported in the literature in individuals affected with RPGRIP1-related conditions. This variant is present in population databases (rs565837539, gnomAD 0.005%), including at least one homozygous and/or hemizygous individual. This sequence change replaces glutamic acid, which is acidic and polar, with glutamine, which is neutral and polar, at codon 800 of the RPGRIP1 protein (p.Glu800Gln).

Literature cited by the submitters: PubMed 24123792 (cited by Labcorp Genetics (formerly Invitae), Labcorp); PubMed 26047050 (cited by Labcorp Genetics (formerly Invitae), Labcorp).

NM_020366.4(RPGRIP1):c.2398G>C (p.Glu800Gln)

Gene: RPGRIP1 (RPGR interacting protein 1; plus strand). Cytogenetic location: 14q11.2.
Variant type: single nucleotide variant.
Coding change: c.2398G>C on transcript NM_020366.4 (MANE Select); coding-DNA position 2398, G replaced by C.
Protein change: p.Glu800Gln; replaces glutamic acid 800 with glutamine.
Molecular consequence: missense variant. On other transcripts: intron variant (4).
Genome position (GRCh38, 1-based): chr14:21,325,861, G>C. VCF-style: chr14-21325861-G-C. GRCh37 (hg19) VCF-style: chr14-21794020-G-C.
Other names: c.1324G>C, p.Glu442Gln (NM_001377948.1); c.796+1136G>C (NM_001377949.1); c.689-1762G>C (NM_001377523.1, NM_001377950.1); c.191-1762G>C (NM_001377951.1); short protein forms E442Q, E800Q.
Identifiers: ClinVar variation 2104105 (VCV002104105.5), dbSNP rs565837539, ClinGen allele CA7089252.